The following is an entry in ClinVar:

ClinVar aggregate classification (germline): Pathogenic/Likely pathogenic. Review status: criteria provided, multiple submitters, no conflicts (2 of 4 stars). 5 submissions from 5 submitters: Pathogenic (2); Likely pathogenic (2). 1 of the submissions does not count toward it. Last evaluated 2024-04-04.

Conditions:
Aspartylglucosaminuria (AGU). Also called: Aspartylglucos-aminuria; Aspartylglucos-amidase (AGA) deficiency; AGA DEFICIENCY; GLYCOASPARAGINASE; GLYCOSYLASPARAGINASE DEFICIENCY. Identifiers: Orphanet 93, MedGen C0268225, MONDO:0008830, OMIM 208400, HP:0012068.

gnomAD v4.1: 3 of 1,613,720 alleles (0.00019%); highest among the groups gnomAD compares: Non-Finnish European, 0.00025%; no homozygotes.

Submissions (5):

Fulgent Genetics
Classification: Likely pathogenic for Aspartylglucosaminuria. Last evaluated: 2024-04-04. Review status: criteria provided, single submitter. Criteria: ACMG Guidelines, 2015. Collection method: clinical testing. Allele origin: germline.

Labcorp Genetics (formerly Invitae), Labcorp
Classification: Pathogenic for Aspartylglucosaminuria. Last evaluated: 2024-01-30. Review status: criteria provided, single submitter. Criteria: Invitae Variant Classification Sherloc (09022015). Collection method: clinical testing. Allele origin: germline.
Comment: This sequence change replaces threonine, which is neutral and polar, with lysine, which is basic and polar, at codon 122 of the AGA protein (p.Thr122Lys). This variant is present in population databases (rs771563230, gnomAD 0.0009%). This missense change has been observed in individual(s) with aspartylglucosaminuria (PMID: 27876883, 30564628). In at least one individual the data is consistent with being in trans (on the opposite chromosome) from a pathogenic variant. It has also been observed to segregate with disease in related individuals. ClinVar contains an entry for this variant (Variation ID: 557564). Advanced modeling of protein sequence and biophysical properties (such as structural, functional, and spatial information, amino acid conservation, physicochemical variation, residue mobility, and thermodynamic stability) has been performed at Invitae for this missense variant, however the output from this modeling did not meet the statistical confidence thresholds required to predict the impact of this variant on AGA protein function. Experimental studies have shown that this missense change affects AGA function (PMID: 27876883). For these reasons, this variant has been classified as Pathogenic.

Baylor Genetics
Classification: Likely pathogenic for Aspartylglucosaminuria. Last evaluated: 2024-01-21. Review status: criteria provided, single submitter. Criteria: ACMG Guidelines, 2015. Collection method: clinical testing. Allele origin: unknown.

CeGaT Center for Human Genetics Tuebingen
Classification: Pathogenic. Last evaluated: 2019-07-01. Review status: criteria provided, single submitter. Criteria: CeGaT Center For Human Genetics Tuebingen Variant Classification Criteria Version 2. Collection method: clinical testing. Allele origin: germline. Affected: yes. Observed: 1 variant allele.

Counsyl
Classification: Uncertain significance for Aspartylglucosaminuria. Last evaluated: 2018-04-04. Review status: no assertion criteria provided. Collection method: clinical testing. Allele origin: unknown. Not counted in ClinVar's aggregate classification.

Literature cited by the submitters: PubMed 27876883 (cited by Labcorp Genetics (formerly Invitae), Labcorp and Counsyl); PubMed 30564628 (cited by Labcorp Genetics (formerly Invitae), Labcorp).

NM_000027.4(AGA):c.365C>A (p.Thr122Lys)

Gene: AGA (aspartylglucosaminidase; minus strand). Cytogenetic location: 4q34.3.
Variant type: single nucleotide variant.
Coding change: c.365C>A on transcript NM_000027.4 (MANE Select); coding-DNA position 365, C replaced by A.
Protein change: p.Thr122Lys; replaces threonine 122 with lysine.
Molecular consequence: missense variant. On other transcripts: non-coding transcript variant (1).
Genome position (GRCh38, 1-based): chr4:177,439,605, G>T on the plus strand (C>A on the coding strand, the complement: AGA is on the minus strand). VCF-style: chr4-177439605-G-T. GRCh37 (hg19) VCF-style: chr4-178360759-G-T.
Other names: c.365C>A, p.Thr122Lys (NM_001171988.2); short protein forms T122K.
Identifiers: ClinVar variation 557564 (VCV000557564.51), dbSNP rs771563230, ClinGen allele CA3146945.